The following is an entry in ClinVar:

ClinVar aggregate classification (germline): Uncertain significance (1 of 4 stars; one submission).

Conditions:
Primary ciliary dyskinesia. Also called: Ciliary dyskinesia. Identifiers: Orphanet 244, MedGen C0008780, MONDO:0016575, HP:0012265.

Submission:

Labcorp Genetics (formerly Invitae), Labcorp
Classification: Uncertain significance for Primary ciliary dyskinesia. Last evaluated: 2023-07-08. Review status: criteria provided, single submitter. Criteria: Invitae Variant Classification Sherloc (09022015). Collection method: clinical testing. Allele origin: germline.
Comment: This sequence change replaces glycine, which is neutral and non-polar, with aspartic acid, which is acidic and polar, at codon 691 of the DNAH5 protein (p.Gly691Asp). This variant is not present in population databases (gnomAD no frequency). This variant has not been reported in the literature in individuals affected with DNAH5-related conditions. Advanced modeling of protein sequence and biophysical properties (such as structural, functional, and spatial information, amino acid conservation, physicochemical variation, residue mobility, and thermodynamic stability) performed at Invitae indicates that this missense variant is not expected to disrupt DNAH5 protein function. In summary, the available evidence is currently insufficient to determine the role of this variant in disease. Therefore, it has been classified as a Variant of Uncertain Significance.

NM_001369.3(DNAH5):c.2072G>A (p.Gly691Asp)

Genes: DNAH5 (dynein axonemal heavy chain 5; minus strand), DNAH5-AS1 (DNAH5 antisense RNA 1; plus strand). Cytogenetic location: 5p15.2.
Variant type: single nucleotide variant.
Coding change: c.2072G>A on transcript NM_001369.3 (MANE Select); coding-DNA position 2072, G replaced by A.
Protein change: p.Gly691Asp; replaces glycine 691 with aspartic acid.
Molecular consequence: missense variant.
Genome position (GRCh38, 1-based): chr5:13,900,393, C>T on the plus strand (G>A on the coding strand, the complement: DNAH5 is on the minus strand). VCF-style: chr5-13900393-C-T. GRCh37 (hg19) VCF-style: chr5-13900502-C-T.
Other names: short protein forms G691D.
Identifiers: ClinVar variation 2884197 (VCV002884197.1), dbSNP rs1561533986, ClinGen allele CA359203878.